The following is an entry in ClinVar:

NM_173354.5(SIK1):c.1643C>A (p.Ala548Asp)

Gene: SIK1 (salt inducible kinase 1; minus strand). Cytogenetic location: 21q22.3.
Variant type: single nucleotide variant.
Coding change: c.1643C>A on transcript NM_173354.5 (MANE Select); coding-DNA position 1643, C replaced by A.
Protein change: p.Ala548Asp; replaces alanine 548 with aspartic acid.
Molecular consequence: missense variant.
Genome position (GRCh38, 1-based): chr21:43,418,361, G>T on the plus strand (C>A on the coding strand, the complement: SIK1 is on the minus strand). VCF-style: chr21-43418361-G-T. GRCh37 (hg19) VCF-style: chr21-44838241-G-T.
Other names: short protein forms A548D.
Identifiers: ClinVar variation 1394586 (VCV001394586.8), dbSNP rs2146469839, ClinGen allele CA410607599.
Genomic context (GRCh38, chr21:43,418,361, plus strand): 5'-AAGCTGACAGGGAGCAGAACAGCTCCTCCCAAGCCCCCCTGAGCCTGCAGCACTGGGGTG[G>T]CGGACTGCGACCCCAGGAAGGGCGAGGCCAGCCTGACCGGGGAGCAGGCGCCCAGCAGCC-3'
Protein context (NP_775490.2, residues 538-558): LASPFLGSQS[Ala548Asp]TPVLQAQGGL

ClinVar aggregate classification (germline): Uncertain significance (1 of 4 stars; one submission).

Conditions:
Developmental and epileptic encephalopathy, 30 (DEE30). Also called: Epileptic encephalopathy, early infantile, 30. Identifiers: MedGen C4225360, MONDO:0014595, OMIM 616341.

Submission:

Labcorp Genetics (formerly Invitae), Labcorp
Classification: Uncertain significance for Developmental and epileptic encephalopathy, 30. Last evaluated: 2025-10-10. Review status: criteria provided, single submitter. Criteria: Invitae Variant Classification Sherloc (09022015). Collection method: clinical testing. Allele origin: germline.
Comment: This sequence change replaces alanine, which is neutral and non-polar, with aspartic acid, which is acidic and polar, at codon 548 of the SIK1 protein (p.Ala548Asp). This variant is not present in population databases (gnomAD no frequency). This variant has not been reported in the literature in individuals affected with SIK1-related conditions. ClinVar contains an entry for this variant (Variation ID: 1394586). Invitae Evidence Modeling of protein sequence and biophysical properties (such as structural, functional, and spatial information, amino acid conservation, physicochemical variation, residue mobility, and thermodynamic stability) indicates that this missense variant is not expected to disrupt SIK1 protein function with a negative predictive value of 95%. In summary, the available evidence is currently insufficient to determine the role of this variant in disease. Therefore, it has been classified as a Variant of Uncertain Significance.